The following is an entry in ClinVar:

ClinVar aggregate classification (germline): Uncertain significance (1 of 4 stars; one submission).

Conditions:
Nemaline myopathy 9 (NEM9). Identifiers: MedGen C3810384, MONDO:0014326, OMIM 615731.

Submission:

Labcorp Genetics (formerly Invitae), Labcorp
Classification: Uncertain significance for Nemaline myopathy 9. Last evaluated: 2022-07-19. Review status: criteria provided, single submitter. Criteria: Invitae Variant Classification Sherloc (09022015). Collection method: clinical testing. Allele origin: germline.
Comment: In summary, the available evidence is currently insufficient to determine the role of this variant in disease. Therefore, it has been classified as a Variant of Uncertain Significance. Algorithms developed to predict the effect of missense changes on protein structure and function (SIFT, PolyPhen-2, Align-GVGD) all suggest that this variant is likely to be disruptive. ClinVar contains an entry for this variant (Variation ID: 1446892). This variant has not been reported in the literature in individuals affected with KLHL41-related conditions. This variant is not present in population databases (gnomAD no frequency). This sequence change replaces tyrosine, which is neutral and polar, with cysteine, which is neutral and slightly polar, at codon 401 of the KLHL41 protein (p.Tyr401Cys).

NM_006063.3(KLHL41):c.1202A>G (p.Tyr401Cys)

Gene: KLHL41 (kelch like family member 41; plus strand). Cytogenetic location: 2q31.1.
Variant type: single nucleotide variant.
Coding change: c.1202A>G on transcript NM_006063.3 (MANE Select); coding-DNA position 1202, A replaced by G.
Protein change: p.Tyr401Cys; replaces tyrosine 401 with cysteine.
Molecular consequence: missense variant.
Genome position (GRCh38, 1-based): chr2:169,514,665, A>G. VCF-style: chr2-169514665-A-G. GRCh37 (hg19) VCF-style: chr2-170371175-A-G.
Other names: short protein forms Y401C.
Identifiers: ClinVar variation 1446892 (VCV001446892.6), dbSNP rs2105309733, ClinGen allele CA349178508.